The following is an entry in ClinVar:

NM_003482.4(KMT2D):c.2317dup (p.Gln773fs)

Gene: KMT2D (lysine methyltransferase 2D; minus strand). Cytogenetic location: 12q13.12.
Variant type: Duplication.
Coding change: c.2317dup on transcript NM_003482.4 (MANE Select); coding-DNA position 2317, one base duplicated (C; older notation c.2317dupC).
Protein change: p.Gln773fs; shifts the reading frame from glutamine 773.
Molecular consequence: frameshift variant.
Genome position (GRCh38, 1-based): chr12:49,051,366, G duplicated on the plus strand (C on the coding strand, the reverse complement: KMT2D is on the minus strand); the first of 6 consecutive G bases (chr12:49,051,366-49,051,371); duplicating any one gives the same sequence. VCF-style (leftmost placement, unchanged base first): chr12-49051365-T-TG. GRCh37 (hg19) VCF-style: chr12-49445148-T-TG.
Other names: c.2317dupC (NM_003482.3); short protein forms Q773fs.
Identifiers: ClinVar variation 570717 (VCV000570717.4), dbSNP rs1565817210, ClinGen allele CA891843490.

ClinVar aggregate classification (germline): Pathogenic. Review status: criteria provided, multiple submitters, no conflicts (2 of 4 stars). 2 submissions from 2 submitters: Pathogenic (2). Last evaluated 2026-01-13.

Conditions:
Kabuki syndrome. Also called: Kabuki make-up syndrome; NIIKAWA-KUROKI SYNDROME. Identifiers: Orphanet 2322, MedGen C0796004, MONDO:0016512.
Kabuki syndrome 1 (KABUK1). Also called: KMT2D-Related Kabuki Syndrome. Identifiers: Orphanet 2322, MedGen CN030661, MONDO:0007843, OMIM 147920.

Submissions (2):

Labcorp Genetics (formerly Invitae), Labcorp
Classification: Pathogenic for Kabuki syndrome. Last evaluated: 2026-01-13. Review status: criteria provided, single submitter. Criteria: Invitae Variant Classification Sherloc (09022015). Collection method: clinical testing. Allele origin: germline.
Comment: This sequence change creates a premature translational stop signal (p.Gln773Profs*3) in the KMT2D gene. It is expected to result in an absent or disrupted protein product. Loss-of-function variants in KMT2D are known to be pathogenic (PMID: 22126750). This variant is not present in population databases (gnomAD no frequency). This variant has not been reported in the literature in individuals affected with KMT2D-related conditions. ClinVar contains an entry for this variant (Variation ID: 570717). For these reasons, this variant has been classified as Pathogenic.

MVZ Medizinische Genetik Mainz
Classification: Pathogenic for Kabuki syndrome 1. Last evaluated: 2024-12-13. Review status: criteria provided, single submitter. Criteria: UK Practice Guidelines For Variant Classification V4 01 2020. Collection method: clinical testing. Allele origin: germline. Inheritance: Autosomal dominant inheritance. Affected: yes. Observed: 1 variant allele.
Comment: ACMG Criteria: PVS1,PS2_MOD,PS4_SUP,PM2_SUP

Literature cited by the submitters: PubMed 22126750 (cited by Labcorp Genetics (formerly Invitae), Labcorp).